The following is an entry in ClinVar:

NM_015192.4(PLCB1):c.2564C>T (p.Ala855Val)

Gene: PLCB1 (phospholipase C beta 1; plus strand). Cytogenetic location: 20p12.3.
Variant type: single nucleotide variant.
Coding change: c.2564C>T on transcript NM_015192.4 (MANE Select); coding-DNA position 2564, C replaced by T.
Protein change: p.Ala855Val; replaces alanine 855 with valine.
Molecular consequence: missense variant.
Genome position (GRCh38, 1-based): chr20:8,757,086, C>T. VCF-style: chr20-8757086-C-T. GRCh37 (hg19) VCF-style: chr20-8737733-C-T.
Other names: c.2564C>T, p.Ala855Val (NM_182734.3); short protein forms A855V.
Identifiers: ClinVar variation 1399269 (VCV001399269.34), dbSNP rs201764744, ClinGen allele CA9760313.
Genomic context (GRCh38, chr20:8,757,086, plus strand): 5'-AAGGATATTTATAATTTTAGGCTGATCCTGGAGAAACACCATCAGAGGCTCCAAGTGAAG[C>T]GAGAACGACTCCAGCAGAAAATGGGGTGAATCACACTACAACCCTGACACCCAAGCCACC-3'
Protein context (NP_056007.1, residues 845-865): GETPSEAPSE[Ala855Val]RTTPAENGVN

ClinVar aggregate classification (germline): Conflicting classifications of pathogenicity. Review status: criteria provided, conflicting classifications (1 of 4 stars). 4 submissions from 4 submitters: Uncertain significance (3); Likely benign (1). Last evaluated 2023-11-01.

Conditions:
Developmental and epileptic encephalopathy, 12 (DEE12). Identifiers: MedGen C3150988, MONDO:0013389, OMIM 613722.
Inborn genetic diseases. Identifiers: MedGen C0950123, MeSH D030342.

Allele frequency attached by ClinVar (database versions not stated): gnomAD 0.00003 and 0.00004; gnomAD exomes 0.00003 and 0.00002; ExAC 0.00002.
gnomAD v4.1: 43 of 1,607,296 alleles (0.0027%); highest among the groups gnomAD compares: African/African-American, 0.0053%; no homozygotes.

Submissions (4):

Revvity Omics, Revvity
Classification: Uncertain significance for Developmental and epileptic encephalopathy, 12. Last evaluated: 2023-11-01. Review status: criteria provided, single submitter. Criteria: ACMG Guidelines, 2015. Collection method: clinical testing. Allele origin: germline.

CeGaT Center for Human Genetics Tuebingen
Classification: Uncertain significance. Last evaluated: 2023-03-01. Review status: criteria provided, single submitter. Criteria: CeGaT Center For Human Genetics Tuebingen Variant Classification Criteria Version 2. Collection method: clinical testing. Allele origin: germline. Affected: yes. Observed: 1 variant allele.
Comment: PLCB1: PM2, BP4

Labcorp Genetics (formerly Invitae), Labcorp
Classification: Uncertain significance for Developmental and epileptic encephalopathy, 12. Last evaluated: 2022-06-13. Review status: criteria provided, single submitter. Criteria: Invitae Variant Classification Sherloc (09022015). Collection method: clinical testing. Allele origin: germline.
Comment: This sequence change replaces alanine, which is neutral and non-polar, with valine, which is neutral and non-polar, at codon 855 of the PLCB1 protein (p.Ala855Val). This variant is present in population databases (rs201764744, gnomAD 0.003%). This variant has not been reported in the literature in individuals affected with PLCB1-related conditions. Algorithms developed to predict the effect of missense changes on protein structure and function output the following: SIFT: "Tolerated"; PolyPhen-2: "Benign"; Align-GVGD: "Class C0". The valine amino acid residue is found in multiple mammalian species, which suggests that this missense change does not adversely affect protein function. Algorithms developed to predict the effect of sequence changes on RNA splicing suggest that this variant may create or strengthen a splice site. In summary, the available evidence is currently insufficient to determine the role of this variant in disease. Therefore, it has been classified as a Variant of Uncertain Significance.

Ambry Genetics
Classification: Likely benign for Inborn genetic diseases. Last evaluated: 2018-01-25. Review status: criteria provided, single submitter. Criteria: Ambry Variant Classification Scheme 2023. Collection method: clinical testing. Allele origin: germline.